The following is an entry in ClinVar:

ClinVar aggregate classification (germline): Uncertain significance. Review status: criteria provided, multiple submitters, no conflicts (2 of 4 stars). 3 submissions from 3 submitters: Uncertain significance (3). Last evaluated 2025-01-15.

Allele frequency attached by ClinVar (database versions not stated): gnomAD 0.00001 and 0.00002; gnomAD exomes 0.00001; TOPMed 0.00002; ExAC 0.00006; ESP Exome Variant Server 0.00009.
gnomAD v4.1: 23 of 1,566,898 alleles (0.0015%); highest among the groups gnomAD compares: Admixed American, 0.0018%; no homozygotes.

Submissions (3):

GeneDx
Classification: Uncertain significance. Last evaluated: 2025-01-15. Review status: criteria provided, single submitter. Criteria: GeneDx Variant Classification Process June 2021. Collection method: clinical testing. Allele origin: germline. Affected: yes.
Comment: In silico analysis supports that this missense variant has a deleterious effect on protein structure/function; Has not been previously published as pathogenic or benign to our knowledge

Ambry Genetics
Classification: Uncertain significance. Last evaluated: 2024-07-30. Review status: criteria provided, single submitter. Criteria: Ambry Variant Classification Scheme 2023. Collection method: clinical testing. Allele origin: germline.

Labcorp Genetics (formerly Invitae), Labcorp
Classification: Uncertain significance. Last evaluated: 2022-02-05. Review status: criteria provided, single submitter. Criteria: Invitae Variant Classification Sherloc (09022015). Collection method: clinical testing. Allele origin: germline.
Comment: In summary, the available evidence is currently insufficient to determine the role of this variant in disease. Therefore, it has been classified as a Variant of Uncertain Significance. Algorithms developed to predict the effect of missense changes on protein structure and function are either unavailable or do not agree on the potential impact of this missense change (SIFT: "Deleterious"; PolyPhen-2: "Probably Damaging"; Align-GVGD: "Class C0"). This variant has not been reported in the literature in individuals affected with GDF1-related conditions. ClinVar contains an entry for this variant (Variation ID: 410638). The frequency data for this variant in the population databases is considered unreliable, as metrics indicate poor data quality at this position in the gnomAD database. This sequence change replaces arginine, which is basic and polar, with cysteine, which is neutral and slightly polar, at codon 64 of the GDF1 protein (p.Arg64Cys).

NM_001492.6(GDF1):c.190C>T (p.Arg64Cys)

Genes: GDF1 (growth differentiation factor 1; minus strand), CERS1 (ceramide synthase 1; minus strand). Cytogenetic location: 19p13.11.
Variant type: single nucleotide variant.
Coding change: c.190C>T on transcript NM_001492.6 (MANE Select); coding-DNA position 190, C replaced by T.
Protein change: p.Arg64Cys; replaces arginine 64 with cysteine.
Molecular consequence: missense variant. On other transcripts: 3 prime UTR variant (2).
Genome position (GRCh38, 1-based): chr19:18,870,118, G>A on the plus strand (C>T on the coding strand, the complement: GDF1 is on the minus strand). VCF-style: chr19-18870118-G-A. GRCh37 (hg19) VCF-style: chr19-18980927-G-A.
Other names: c.190C>T (NM_001492.4); c.*459C>T (NM_001387440.1, NM_021267.5); c.190C>T, p.Arg64Cys (NM_001387438.1); short protein forms R64C.
Identifiers: ClinVar variation 410638 (VCV000410638.13), dbSNP rs375610429, ClinGen allele CA9318004.